The following is an entry in ClinVar:

NM_005918.4(MDH2):c.47G>T (p.Ser16Ile)

Gene: MDH2 (malate dehydrogenase 2; plus strand). Cytogenetic location: 7q11.23.
Variant type: single nucleotide variant.
Coding change: c.47G>T on transcript NM_005918.4 (MANE Select); coding-DNA position 47, G replaced by T.
Protein change: p.Ser16Ile; replaces serine 16 with isoleucine.
Molecular consequence: missense variant. On other transcripts: 5 prime UTR variant (1), non-coding transcript variant (1).
Genome position (GRCh38, 1-based): chr7:76,048,207, G>T. VCF-style: chr7-76048207-G-T. GRCh37 (hg19) VCF-style: chr7-75677525-G-T.
Other names: c.47G>T, p.Ser16Ile (NM_001282403.2); c.-106G>T (NM_001282404.2); short protein forms S16I.
Identifiers: ClinVar variation 1743184 (VCV001743184.2), dbSNP rs2535833485, ClinGen allele CA367760112.

ClinVar aggregate classification (germline): Uncertain significance (1 of 4 stars; one submission).

Conditions:
Inborn genetic diseases. Identifiers: MedGen C0950123, MeSH D030342.

Submission:

Ambry Genetics
Classification: Uncertain significance for Inborn genetic diseases. Last evaluated: 2022-06-13. Review status: criteria provided, single submitter. Criteria: Ambry Variant Classification Scheme 2023. Collection method: clinical testing. Allele origin: germline.
Comment: The p.S16I variant (also known as c.47G>T), located in coding exon 1 of the MDH2 gene, results from a G to T substitution at nucleotide position 47. The serine at codon 16 is replaced by isoleucine, an amino acid with dissimilar properties. This amino acid position is conserved. In addition, this alteration is predicted to be tolerated by in silico analysis. Since supporting evidence is limited at this time, the clinical significance of this alteration remains unclear.